The following is an entry in ClinVar:

NM_005359.6(SMAD4):c.895G>A (p.Gly299Arg)

Gene: SMAD4 (SMAD family member 4; plus strand). Cytogenetic location: 18q21.2.
Variant type: single nucleotide variant.
Coding change: c.895G>A on transcript NM_005359.6 (MANE Select); coding-DNA position 895, G replaced by A.
Protein change: p.Gly299Arg; replaces glycine 299 with arginine.
Molecular consequence: missense variant.
Genome position (GRCh38, 1-based): chr18:51,058,447, G>A. VCF-style: chr18-51058447-G-A. GRCh37 (hg19) VCF-style: chr18-48584817-G-A.
Other names: short protein forms G299R.
Identifiers: ClinVar variation 1492182 (VCV001492182.12), dbSNP rs1330888967, ClinGen allele CA402463600.
Genomic context (GRCh38, chr18:51,058,447, plus strand): 5'-AATTTGCCTCACCACCAAAACGGCCATCTTCAGCACCACCCGCCTATGCCGCCCCATCCC[G>A]GACATTACTGTAAGCTCTTGTTTTTGTTGTAAGGGCTATTTTTTTTTTTTTTTTGGTAGG-3'
Protein context (NP_005350.1, residues 289-309): QHHPPMPPHP[Gly299Arg]HYWPVHNELA

ClinVar aggregate classification (germline): Uncertain significance. Review status: criteria provided, multiple submitters, no conflicts (2 of 4 stars). 2 submissions from 2 submitters: Uncertain significance (2). Last evaluated 2026-01-20.

Conditions:
Juvenile polyposis syndrome (JPS). Identifiers: Orphanet 2929, MedGen C0345893, MONDO:0017380, OMIM 174900.

Allele frequency attached by ClinVar (database versions not stated): gnomAD exomes below 0.00001.
gnomAD v4.1: 3 of 1,610,312 alleles (0.00019%); highest among the groups gnomAD compares: East Asian, 0.0022%; no homozygotes.

Submissions (2):

Labcorp Genetics (formerly Invitae), Labcorp
Classification: Uncertain significance for Juvenile polyposis syndrome. Last evaluated: 2026-01-20. Review status: criteria provided, single submitter. Criteria: Invitae Variant Classification Sherloc (09022015). Collection method: clinical testing. Allele origin: germline.
Comment: This sequence change replaces glycine, which is neutral and non-polar, with arginine, which is basic and polar, at codon 299 of the SMAD4 protein (p.Gly299Arg). This variant is present in population databases (no rsID available, gnomAD 0.004%). This variant has not been reported in the literature in individuals affected with SMAD4-related conditions. ClinVar contains an entry for this variant (Variation ID: 1492182). Invitae Evidence Modeling of protein sequence and biophysical properties (such as structural, functional, and spatial information, amino acid conservation, physicochemical variation, residue mobility, and thermodynamic stability) has been performed for this missense variant. However, the output from this modeling did not meet the statistical confidence thresholds required to predict the impact of this variant on SMAD4 protein function. In summary, the available evidence is currently insufficient to determine the role of this variant in disease. Therefore, it has been classified as a Variant of Uncertain Significance.

Center for Genomic Medicine, Rigshospitalet, Copenhagen University Hospital
Classification: Uncertain significance. Last evaluated: 2025-03-04. Review status: criteria provided, single submitter. Criteria: ACMG Guidelines, 2015. Collection method: clinical testing. Allele origin: germline.